The following is an entry in ClinVar:

NM_000245.4(MET):c.3640G>A (p.Glu1214Lys)

Gene: MET (MET proto-oncogene, receptor tyrosine kinase; plus strand). Cytogenetic location: 7q31.2.
Variant type: single nucleotide variant.
Coding change: c.3640G>A on transcript NM_000245.4 (MANE Select); coding-DNA position 3640, G replaced by A.
Protein change: p.Glu1214Lys; replaces glutamic acid 1214 with lysine.
Molecular consequence: missense variant.
Genome position (GRCh38, 1-based): chr7:116,783,311, G>A. VCF-style: chr7-116783311-G-A. GRCh37 (hg19) VCF-style: chr7-116423365-G-A.
Other names: c.3694G>A (LRG_662t1); c.3694G>A, p.Glu1232Lys (NM_001127500.3); c.2350G>A, p.Glu784Lys (NM_001324402.2); short protein forms E784K, E1214K, E1232K.
Identifiers: ClinVar variation 655716 (VCV000655716.13), dbSNP rs1261418076, ClinGen allele CA368991387.

ClinVar aggregate classification (germline): Uncertain significance. Review status: criteria provided, multiple submitters, no conflicts (2 of 4 stars). 2 submissions from 2 submitters: Uncertain significance (2). Last evaluated 2024-09-19.

Conditions:
Renal cell carcinoma. Identifiers: Orphanet 217071, MedGen C0007134, MeSH D002292, MONDO:0005086, HP:0005584.
Hereditary cancer-predisposing syndrome. Also called: Hereditary neoplastic syndrome; Tumor predisposition; Neoplastic Syndromes, Hereditary; Hereditary Cancer Syndrome. Identifiers: Orphanet 140162, MedGen C0027672, MeSH D009386, MONDO:0015356.

Allele frequency attached by ClinVar (database versions not stated): gnomAD exomes below 0.00001.
gnomAD v4.1: 2 of 1,614,114 alleles (0.00012%); highest among the groups gnomAD compares: Non-Finnish European, 0.00017%; no homozygotes.

Submissions (2):

Ambry Genetics
Classification: Uncertain significance for Hereditary cancer-predisposing syndrome. Last evaluated: 2024-09-19. Review status: criteria provided, single submitter. Criteria: Ambry Variant Classification Scheme 2023. Collection method: clinical testing. Allele origin: germline.
Comment: The p.E1232K variant (also known as c.3694G>A), located in coding exon 18 of the MET gene, results from a G to A substitution at nucleotide position 3694. The glutamic acid at codon 1232 is replaced by lysine, an amino acid with similar properties. This amino acid position is highly conserved in available vertebrate species. In addition, this alteration is predicted to be deleterious by in silico analysis. Since supporting evidence is limited at this time, the clinical significance of this alteration remains unclear.

Labcorp Genetics (formerly Invitae), Labcorp
Classification: Uncertain significance for Renal cell carcinoma. Last evaluated: 2023-10-28. Review status: criteria provided, single submitter. Criteria: Invitae Variant Classification Sherloc (09022015). Collection method: clinical testing. Allele origin: germline.
Comment: This sequence change replaces glutamic acid, which is acidic and polar, with lysine, which is basic and polar, at codon 1232 of the MET protein (p.Glu1232Lys). This variant is present in population databases (no rsID available, gnomAD 0.0009%). This variant has not been reported in the literature in individuals affected with MET-related conditions. ClinVar contains an entry for this variant (Variation ID: 655716). Advanced modeling of protein sequence and biophysical properties (such as structural, functional, and spatial information, amino acid conservation, physicochemical variation, residue mobility, and thermodynamic stability) has been performed at Invitae for this missense variant, however the output from this modeling did not meet the statistical confidence thresholds required to predict the impact of this variant on MET protein function. In summary, the available evidence is currently insufficient to determine the role of this variant in disease. Therefore, it has been classified as a Variant of Uncertain Significance.